The following is an entry in ClinVar:

NM_000051.4(ATM):c.3482T>C (p.Val1161Ala)

Gene: ATM (ATM serine/threonine kinase; plus strand). Cytogenetic location: 11q22.3.
Variant type: single nucleotide variant.
Coding change: c.3482T>C on transcript NM_000051.4 (MANE Select); coding-DNA position 3482, T replaced by C.
Protein change: p.Val1161Ala; replaces valine 1161 with alanine.
Molecular consequence: missense variant.
Genome position (GRCh38, 1-based): chr11:108,281,074, T>C. VCF-style: chr11-108281074-T-C. GRCh37 (hg19) VCF-style: chr11-108151801-T-C.
Other names: c.3482T>C, p.Val1161Ala (NM_001351834.2); short protein forms V1161A.
Identifiers: ClinVar variation 823825 (VCV000823825.10), dbSNP rs12788429, ClinGen allele CA382519511.

ClinVar aggregate classification (germline): Uncertain significance. Review status: criteria provided, multiple submitters, no conflicts (2 of 4 stars). 2 submissions from 2 submitters: Uncertain significance (2). Last evaluated 2022-06-23.

Conditions:
Ataxia-telangiectasia syndrome (AT). Also called: ATAXIA-TELANGIECTASIA, COMPLEMENTATION GROUP A; ATAXIA-TELANGIECTASIA, FRESNO VARIANT; Ataxia-telangiectasia, complementation group E; Ataxia telangiectasia (A-T); LOUIS-BAR SYNDROME; Cerebello-oculocutaneous telangiectasia. Identifiers: Orphanet 100, MedGen C0004135, MONDO:0008840, OMIM 208900.
Hereditary cancer-predisposing syndrome. Also called: Neoplastic Syndromes, Hereditary; Hereditary Cancer Syndrome; Hereditary neoplastic syndrome; Tumor predisposition. Identifiers: Orphanet 140162, MedGen C0027672, MeSH D009386, MONDO:0015356.

Submissions (2):

Labcorp Genetics (formerly Invitae), Labcorp
Classification: Uncertain significance for Ataxia-telangiectasia syndrome. Last evaluated: 2022-06-23. Review status: criteria provided, single submitter. Criteria: Invitae Variant Classification Sherloc (09022015). Collection method: clinical testing. Allele origin: germline.
Comment: This variant is not present in population databases (gnomAD no frequency). This variant has not been reported in the literature in individuals affected with ATM-related conditions. ClinVar contains an entry for this variant (Variation ID: 823825). Advanced modeling of protein sequence and biophysical properties (such as structural, functional, and spatial information, amino acid conservation, physicochemical variation, residue mobility, and thermodynamic stability) performed at Invitae indicates that this missense variant is not expected to disrupt ATM protein function. Algorithms developed to predict the effect of sequence changes on RNA splicing suggest that this variant may disrupt the consensus splice site. In summary, the available evidence is currently insufficient to determine the role of this variant in disease. Therefore, it has been classified as a Variant of Uncertain Significance. This sequence change replaces valine, which is neutral and non-polar, with alanine, which is neutral and non-polar, at codon 1161 of the ATM protein (p.Val1161Ala).

Ambry Genetics
Classification: Uncertain significance for Hereditary cancer-predisposing syndrome. Last evaluated: 2019-09-07. Review status: criteria provided, single submitter. Criteria: Ambry Variant Classification Scheme 2023. Collection method: clinical testing. Allele origin: germline.
Comment: The p.V1161A variant (also known as c.3482T>C), located in coding exon 23 of the ATM gene, results from a T to C substitution at nucleotide position 3482. The valine at codon 1161 is replaced by alanine, an amino acid with similar properties. This amino acid position is not well conserved in available vertebrate species. In addition, the in silico prediction for this alteration is inconclusive. Since supporting evidence is limited at this time, the clinical significance of this alteration remains unclear.